The following is an entry in ClinVar:

NM_000492.4(CFTR):c.1090T>C (p.Ser364Pro)

Gene: CFTR (CF transmembrane conductance regulator; plus strand). Cytogenetic location: 7q31.2.
Variant type: single nucleotide variant.
Coding change: c.1090T>C on transcript NM_000492.4 (MANE Select); coding-DNA position 1090, T replaced by C.
Protein change: p.Ser364Pro; replaces serine 364 with proline.
Molecular consequence: missense variant.
Genome position (GRCh38, 1-based): chr7:117,540,320, T>C. VCF-style: chr7-117540320-T-C. GRCh37 (hg19) VCF-style: chr7-117180374-T-C.
Other names: short protein forms S364P.
Identifiers: ClinVar variation 48714 (VCV000048714.3), dbSNP rs78909279, ClinGen allele CA326399.

ClinVar aggregate classification (germline): Likely pathogenic. Review status: criteria provided, multiple submitters, no conflicts (2 of 4 stars). 2 submissions from 2 submitters: Likely pathogenic (2). Last evaluated 2025-11-04.

Conditions:
CFTR-related disorder (CFTR-RD). Also called: CFTR-related disorders; CFTR-related condition. Identifiers: MedGen C5924204, MONDO:7770004.
Cystic fibrosis (CF). Also called: MUCOVISCIDOSIS. Identifiers: Orphanet 586, MedGen C0010674, MONDO:0009061, OMIM 219700. Disease mechanism: loss of function.

Submissions (2):

Natera, Inc.
Classification: Likely pathogenic for CFTR-related disorders. Last evaluated: 2025-11-04. Review status: criteria provided, single submitter. Criteria: Natera Variant Classification Schema (03/2026). Collection method: clinical testing. Allele origin: germline.
Comment: The c.1090T>C variant in CFTR is a missense variant predicted to cause substitution of serine to proline at amino acid 364. This variant is rare in the general population with a frequency below the threshold expected for the associated phenotype(s). This variant has been observed in one or more individuals affected with the associated recessive disease, as either homozygous or compound heterozygous with a second variant (PMID: 29564361, 25122143). Functional studies show that this variant may disrupt protein function (PMID: 38388235). Computational prediction algorithms indicate this variant is likely to affect gene or protein function. Given the available evidence, this variant is classified as Likely Pathogenic.

Women's Health and Genetics/Laboratory Corporation of America, LabCorp
Classification: Likely pathogenic for Cystic fibrosis. Last evaluated: 2024-08-12. Review status: criteria provided, single submitter. Criteria: LabCorp Variant Classification Summary - May 2015. Collection method: clinical testing. Allele origin: germline.
Comment: Variant summary: CFTR c.1090T>C (p.Ser364Pro) results in a non-conservative amino acid change in the encoded protein sequence. Five of five in-silico tools predict a damaging effect of the variant on protein function. The variant was absent in 250966 control chromosomes. c.1090T>C has been reported in the literature as a homozygous genotype in at-least one individual reportedly affected with Cystic Fibrosis and Mycobacterium abscessus (MAB) infection (example, Caimmi_2018). It has also been reported as a rare allele with a non-informative genotype (second allele/genotype not specified) among CF chromosomes from African American diaspora, France and other non-specified ethnic cohorts (example, Shuber_1997, Macek_1997, Claustres_2000, Wang_2002, Stewart_2017, Salvatore_2021). These data indicate that the variant may be associated with disease. At least one publication reports experimental evidence evaluating an impact on protein function. The most pronounced variant effect resulted in approximately 5% of normal chloride channel conductance relative to wild type (e.g., Bihler_2024). The following publications have been ascertained in the context of this evaluation (PMID: 38388235, 29564361, 10923036, 9150159, 16963320, 34583889, 9147636, 27870577, 12151438). ClinVar contains an entry for this variant (Variation ID: 48714). Based on the evidence outlined above, the variant was classified as likely pathogenic.

Literature cited by the submitters: PubMed 29564361 (cited by Natera, Inc. and Women's Health and Genetics/Laboratory Corporation of America, LabCorp); PubMed 25122143 (cited by Natera, Inc.); PubMed 38388235 (cited by Natera, Inc. and Women's Health and Genetics/Laboratory Corporation of America, LabCorp); PubMed 12151438 (cited by Women's Health and Genetics/Laboratory Corporation of America, LabCorp); PubMed 10923036 (cited by Women's Health and Genetics/Laboratory Corporation of America, LabCorp); PubMed 9150159 (cited by Women's Health and Genetics/Laboratory Corporation of America, LabCorp); PubMed 16963320 (cited by Women's Health and Genetics/Laboratory Corporation of America, LabCorp); PubMed 27870577 (cited by Women's Health and Genetics/Laboratory Corporation of America, LabCorp); PubMed 34583889 (cited by Women's Health and Genetics/Laboratory Corporation of America, LabCorp); PubMed 9147636 (cited by Women's Health and Genetics/Laboratory Corporation of America, LabCorp).